The following is an entry in ClinVar:

ClinVar aggregate classification (germline): Likely benign (1 of 4 stars; one submission).

Conditions:
Peroxisome biogenesis disorder 10A (Zellweger). Also called: Peroxisome biogenesis disorder 10A. Identifiers: Orphanet 912, MedGen C3553999, MONDO:0013948, OMIM 614882.

Allele frequency attached by ClinVar (database versions not stated): gnomAD exomes 0.00027; gnomAD 0.00037 and 0.00048; TOPMed 0.00083; 1000 Genomes Project 0.00300; 1000 Genomes Project 30x 0.00344.
gnomAD v4.1: 184 of 560,850 alleles (0.033%); highest among the groups gnomAD compares: East Asian, 1%; 1 homozygote.

Submission:

Illumina Laboratory Services, Illumina
Classification: Likely benign for Peroxisome biogenesis disorder 10A (Zellweger). Last evaluated: 2018-01-13. Review status: criteria provided, single submitter. Criteria: ICSL Variant Classification Criteria 13 December 2019. Collection method: clinical testing. Allele origin: germline.
Comment: This variant was observed in the ICSL laboratory as part of a predisposition screen in an ostensibly healthy population. It had not been previously curated by ICSL or reported in the Human Gene Mutation Database (HGMD: prior to June 1st, 2018), and was therefore a candidate for classification through an automated scoring system. Utilizing variant allele frequency, disease prevalence and penetrance estimates, and inheritance mode, an automated score was calculated to assess if this variant is too frequent to cause the disease. Based on the score and internal cut-off values, a variant classified as likely benign is not then subjected to further curation. The score for this variant resulted in a classification of likely benign for this disease.

NM_003630.3(PEX3):c.*1335A>G

Gene: PEX3 (peroxisomal biogenesis factor 3; plus strand). Cytogenetic location: 6q24.2.
Variant type: single nucleotide variant.
Coding change: c.*1335A>G on transcript NM_003630.3 (MANE Select); 1335 bases downstream of the stop codon, A replaced by G.
Molecular consequence: 3 prime UTR variant.
Genome position (GRCh38, 1-based): chr6:143,490,561, A>G. VCF-style: chr6-143490561-A-G. GRCh37 (hg19) VCF-style: chr6-143811698-A-G.
Identifiers: ClinVar variation 355594 (VCV000355594.5), dbSNP rs9403495, ClinGen allele CA10625934.
Genomic context (GRCh38, chr6:143,490,561, plus strand): 5'-TCTCTGAGCAGAAGATGGCTGTGCCACTCACATATGCTAATCTTGGCAAATCTGCCAAGC[A>G]TGTCTTCACCAAGGGATATGGATTTGGCTTAATAAAACCTGATTTGAAAACAAAATCTGA-3'